The following is an entry in ClinVar:

NM_004006.3(DMD):c.9284T>A (p.Leu3095Ter)

Gene: DMD (dystrophin; minus strand). Cytogenetic location: Xp21.2.
Variant type: single nucleotide variant.
Coding change: c.9284T>A on transcript NM_004006.3 (MANE Select); coding-DNA position 9284, T replaced by A.
Protein change: p.Leu3095Ter; replaces leucine 3095 with a stop codon.
Molecular consequence: nonsense.
Genome position (GRCh38, 1-based): chrX:31,260,957, A>T on the plus strand (T>A on the coding strand, the complement: DMD is on the minus strand). VCF-style: chrX-31260957-A-T. GRCh37 (hg19) VCF-style: chrX-31279074-A-T.
Other names: c.9260T>A, p.Leu3087Ter (NM_000109.4); c.9272T>A, p.Leu3091Ter (NM_004009.3); c.8915T>A, p.Leu2972Ter (NM_004010.3); c.5261T>A, p.Leu1754Ter (NM_004011.4); c.5252T>A, p.Leu1751Ter (NM_004012.4); c.1904T>A, p.Leu635Ter (NM_004013.3, NM_004020.4, NM_004021.3 and 2 more transcripts); c.1097T>A, p.Leu366Ter (NM_004014.3); c.80T>A, p.Leu27Ter (NM_004015.3, NM_004016.3, NM_004017.3 and 2 more transcripts); short protein forms L1751*, L1754*, L27*, L2972*, L3087*, L3091*, L3095*, L366*.
Identifiers: ClinVar variation 1725526 (VCV001725526.3), dbSNP rs2147648482, ClinGen allele CA412652431.
Genomic context (GRCh38, chrX:31,260,957, plus strand): 5'-ACTTTATCCTAAAGGTCACCTGTCATTTAACTTGGAGGAAACATGGCCATGTCCTTACCT[A>T]AAGACTGGTAGAGCTCTGTCATTTTGGGATGGTCCCAGCAAGTTGTTTGAGTCTCGTGGC-3'

ClinVar aggregate classification (germline): Likely pathogenic (1 of 4 stars; one submission).

Conditions:
Progressive muscular dystrophy. Identifiers: Orphanet 206644, MedGen C4551827, MONDO:0016106.

Submission:

Myriad Genetics, Inc.
Classification: Likely pathogenic for Progressive muscular dystrophy. Last evaluated: 2022-03-29. Review status: criteria provided, single submitter. Criteria: Myriad Autosomal Dominant, Autosomal Recessive and X-Linked Classification Criteria (2023). Collection method: clinical testing. Allele origin: unknown.
Comment: NM_004006.2(DMD):c.9284T>A(L3095*) is expected to be pathogenic in the context of dystrophinopathy (including Duchenne/Becker muscular dystrophy). This variant is predicted to lead to an abnormal or absent protein product due to the creation of a premature termination codon in DMD, a gene where loss-of-function variants are known to be pathogenic. Please note: this variant was assessed in the context of healthy population screening.